The following is an entry in ClinVar:

NM_001382391.1(CSPP1):c.1639G>A (p.Val547Ile)

Gene: CSPP1 (centrosome and spindle pole associated protein 1; plus strand). Cytogenetic location: 8q13.2.
Variant type: single nucleotide variant.
Coding change: c.1639G>A on transcript NM_001382391.1 (MANE Select); coding-DNA position 1639, G replaced by A.
Protein change: p.Val547Ile; replaces valine 547 with isoleucine.
Molecular consequence: missense variant.
Genome position (GRCh38, 1-based): chr8:67,118,763, G>A. VCF-style: chr8-67118763-G-A. GRCh37 (hg19) VCF-style: chr8-68030998-G-A.
Other names: c.742G>A, p.Val248Ile (NM_001291339.2); c.1558G>A, p.Val520Ile (NM_001363131.2); c.1597G>A, p.Val533Ile (NM_001363132.2); c.1516G>A, p.Val506Ile (NM_001363133.2); c.1705G>A, p.Val569Ile (NM_001364869.1); c.1525G>A, p.Val509Ile (NM_001364870.1); c.1624G>A, p.Val542Ile (NM_024790.7); short protein forms V248I, V506I, V533I, V547I, V509I, V520I, V542I, V569I.
Identifiers: ClinVar variation 939457 (VCV000939457.5), dbSNP rs772097768, ClinGen allele CA4770607.

ClinVar aggregate classification (germline): Uncertain significance. Review status: criteria provided, multiple submitters, no conflicts (2 of 4 stars). 2 submissions from 2 submitters: Uncertain significance (2). Last evaluated 2022-10-13.

Conditions:
Joubert syndrome 21 (JBTS21). Identifiers: MedGen C3810212, MONDO:0014288, OMIM 615636.

Allele frequency attached by ClinVar (database versions not stated): gnomAD exomes 0.00003 and 0.00005; TOPMed 0.00004; ExAC 0.00011.

Submissions (2):

Labcorp Genetics (formerly Invitae), Labcorp
Classification: Uncertain significance for Joubert syndrome 21. Last evaluated: 2022-10-13. Review status: criteria provided, single submitter. Criteria: Invitae Variant Classification Sherloc (09022015). Collection method: clinical testing. Allele origin: germline.
Comment: This sequence change replaces valine, which is neutral and non-polar, with isoleucine, which is neutral and non-polar, at codon 542 of the CSPP1 protein (p.Val542Ile). This variant is present in population databases (rs772097768, gnomAD 0.05%). This variant has not been reported in the literature in individuals affected with CSPP1-related conditions. ClinVar contains an entry for this variant (Variation ID: 939457). Algorithms developed to predict the effect of missense changes on protein structure and function output the following: SIFT: "Tolerated"; PolyPhen-2: "Benign"; Align-GVGD: "Class C0". The isoleucine amino acid residue is found in multiple mammalian species, which suggests that this missense change does not adversely affect protein function. In summary, the available evidence is currently insufficient to determine the role of this variant in disease. Therefore, it has been classified as a Variant of Uncertain Significance.

Breakthrough Genomics
Classification: Uncertain significance. Review status: criteria provided, single submitter. Criteria: ACMG Guidelines, 2015. Collection method: not provided. Allele origin: germline. Inheritance: Autosomal recessive inheritance. Affected: yes.